The following is an entry in ClinVar:

NM_003748.4(ALDH4A1):c.1265A>G (p.Asp422Gly)

Gene: ALDH4A1 (aldehyde dehydrogenase 4 family member A1; minus strand). Cytogenetic location: 1p36.13.
Variant type: single nucleotide variant.
Coding change: c.1265A>G on transcript NM_003748.4 (MANE Select); coding-DNA position 1265, A replaced by G.
Protein change: p.Asp422Gly; replaces aspartic acid 422 with glycine.
Molecular consequence: missense variant. On other transcripts: intron variant (1).
Genome position (GRCh38, 1-based): chr1:18,876,388, T>C on the plus strand (A>G on the coding strand, the complement: ALDH4A1 is on the minus strand). VCF-style: chr1-18876388-T-C. GRCh37 (hg19) VCF-style: chr1-19202882-T-C.
Other names: c.1085A>G, p.Asp362Gly (NM_001161504.2); c.1265A>G, p.Asp422Gly (NM_170726.3); c.1185+820A>G (NM_001319218.2); short protein forms D362G, D422G.
Identifiers: ClinVar variation 2090869 (VCV002090869.4), dbSNP rs2522544261, ClinGen allele CA338747836.
Genomic context (GRCh38, chr1:18,876,388, plus strand): 5'-GGCTCCTGAGGGTCCTTGCTCTCCACGATGCAGGGCTCCACAAAGTAGCCCACGGAGTCA[T>C]CACACTTGCCCCCGGCCAGGATGGTGAGGCTGGGTGAGGAGCGTGCGTGCTCCAGCCACT-3'
Protein context (NP_003739.2, residues 412-432): SLTILAGGKC[Asp422Gly]DSVGYFVEPC

ClinVar aggregate classification (germline): Uncertain significance (1 of 4 stars; one submission).

Conditions:
Hyperprolinemia type 2 (HYRPRO2). Also called: 1-PYRROLINE-5-CARBOXYLATE DEHYDROGENASE DEFICIENCY; Deficiency of pyrroline-5-carboxylate reductase; Delta-1-pyrroline-5-carboxylate dehydrogenase deficiency. Identifiers: Orphanet 79101, MedGen C2931835, MONDO:0009401, OMIM 239510.

Allele frequency attached by ClinVar (database versions not stated): gnomAD exomes below 0.00001.
gnomAD v4.1: 2 of 1,613,662 alleles (0.00012%); highest among the groups gnomAD compares: Non-Finnish European, 0.00017%; no homozygotes.

Submission:

Labcorp Genetics (formerly Invitae), Labcorp
Classification: Uncertain significance for Hyperprolinemia type 2. Last evaluated: 2022-01-28. Review status: criteria provided, single submitter. Criteria: Invitae Variant Classification Sherloc (09022015). Collection method: clinical testing. Allele origin: germline.
Comment: This sequence change replaces aspartic acid, which is acidic and polar, with glycine, which is neutral and non-polar, at codon 422 of the ALDH4A1 protein (p.Asp422Gly). This variant is not present in population databases (gnomAD no frequency). This variant has not been reported in the literature in individuals affected with ALDH4A1-related conditions. Algorithms developed to predict the effect of missense changes on protein structure and function (SIFT, PolyPhen-2, Align-GVGD) all suggest that this variant is likely to be disruptive. Algorithms developed to predict the effect of sequence changes on RNA splicing suggest that this variant may create or strengthen a splice site. In summary, the available evidence is currently insufficient to determine the role of this variant in disease. Therefore, it has been classified as a Variant of Uncertain Significance.